The following is an entry in ClinVar:

ClinVar aggregate classification (germline): Benign/Likely benign. Review status: criteria provided, multiple submitters, no conflicts (2 of 4 stars). 3 submissions from 3 submitters: Benign (1); Likely benign (1). 1 of the submissions does not count toward it. Last evaluated 2026-06-01.

Conditions:
MAP3K6-related disorder. Also called: MAP3K6-related condition.

Allele frequency attached by ClinVar (database versions not stated): 1000 Genomes Project 30x 0.00187; 1000 Genomes Project 0.00220; TOPMed 0.00258; ESP Exome Variant Server 0.00323; gnomAD 0.00459; gnomAD exomes 0.00487; ExAC 0.00530.
gnomAD v4.1: 7,742 of 1,601,616 alleles (0.48%); highest among the groups gnomAD compares: Non-Finnish European, 0.48%; 60 homozygotes.

Submissions (3):

CeGaT Center for Human Genetics Tuebingen
Classification: Benign. Last evaluated: 2026-06-01. Review status: criteria provided, single submitter. Criteria: CeGaT Center For Human Genetics Tuebingen Variant Classification Criteria Version 2. Collection method: clinical testing. Allele origin: germline. Affected: yes. Observed: 6 variant alleles.
Comment: MAP3K6: BS1, BS2

Center for Genomic Medicine, Rigshospitalet, Copenhagen University Hospital
Classification: Likely benign. Last evaluated: 2025-03-04. Review status: criteria provided, single submitter. Criteria: ACMG Guidelines, 2015. Collection method: clinical testing. Allele origin: germline.

PreventionGenetics, part of Exact Sciences
Classification: Likely benign for MAP3K6-related condition. Last evaluated: 2020-05-11. Review status: no assertion criteria provided. Collection method: clinical testing. Allele origin: germline. Not counted in ClinVar's aggregate classification.
Comment: This variant is classified as likely benign based on ACMG/AMP sequence variant interpretation guidelines (Richards et al. 2015 PMID: 25741868, with internal and published modifications).

NM_004672.5(MAP3K6):c.2837C>T (p.Pro946Leu)

Gene: MAP3K6 (mitogen-activated protein kinase kinase kinase 6; minus strand). Cytogenetic location: 1p36.11.
Variant type: single nucleotide variant.
Coding change: c.2837C>T on transcript NM_004672.5 (MANE Select); coding-DNA position 2837, C replaced by T.
Protein change: p.Pro946Leu; replaces proline 946 with leucine.
Molecular consequence: missense variant.
Genome position (GRCh38, 1-based): chr1:27,358,259, G>A on the plus strand (C>T on the coding strand, the complement: MAP3K6 is on the minus strand). VCF-style: chr1-27358259-G-A. GRCh37 (hg19) VCF-style: chr1-27684750-G-A.
Other names: c.2813C>T, p.Pro938Leu (NM_001297609.2); c.2837C>T (NM_004672.4); short protein forms P938L, P946L.
Identifiers: ClinVar variation 2638558 (VCV002638558.26), dbSNP rs141787524, ClinGen allele CA713270.